The following is an entry in ClinVar:

ClinVar aggregate classification (germline): Uncertain significance (1 of 4 stars; one submission).

Conditions:
ALG1-congenital disorder of glycosylation. Also called: CONGENITAL DISORDER OF GLYCOSYLATION, TYPE Ik; CDG Ik; ALG1-CDG. Identifiers: Orphanet 79327, MedGen C2931005, MONDO:0012052, OMIM 608540.

Submission:

Labcorp Genetics (formerly Invitae), Labcorp
Classification: Uncertain significance for ALG1-congenital disorder of glycosylation. Last evaluated: 2022-06-20. Review status: criteria provided, single submitter. Criteria: Invitae Variant Classification Sherloc (09022015). Collection method: clinical testing. Allele origin: germline.
Comment: Advanced modeling of protein sequence and biophysical properties (such as structural, functional, and spatial information, amino acid conservation, physicochemical variation, residue mobility, and thermodynamic stability) performed at Invitae indicates that this missense variant is expected to disrupt ALG1 protein function. In summary, the available evidence is currently insufficient to determine the role of this variant in disease. Therefore, it has been classified as a Variant of Uncertain Significance. Algorithms developed to predict the effect of sequence changes on RNA splicing suggest that this variant may create or strengthen a splice site. This variant has not been reported in the literature in individuals affected with ALG1-related conditions. This variant is not present in population databases (gnomAD no frequency). This sequence change replaces lysine, which is basic and polar, with isoleucine, which is neutral and non-polar, at codon 322 of the ALG1 protein (p.Lys322Ile).

NM_019109.5(ALG1):c.965A>T (p.Lys322Ile)

Gene: ALG1 (ALG1 chitobiosyldiphosphodolichol beta-mannosyltransferase; plus strand). Cytogenetic location: 16p13.3.
Variant type: single nucleotide variant.
Coding change: c.965A>T on transcript NM_019109.5 (MANE Select); coding-DNA position 965, A replaced by T.
Protein change: p.Lys322Ile; replaces lysine 322 with isoleucine.
Molecular consequence: missense variant.
Genome position (GRCh38, 1-based): chr16:5,080,949, A>T. VCF-style: chr16-5080949-A-T. GRCh37 (hg19) VCF-style: chr16-5130950-A-T.
Other names: c.632A>T, p.Lys211Ile (NM_001330504.2); short protein forms K211I, K322I.
Identifiers: ClinVar variation 1447921 (VCV001447921.8), dbSNP rs145851409, ClinGen allele CA394672541.